The following is an entry in ClinVar:

NM_001429.4(EP300):c.5340C>A (p.Pro1780=)

Gene: EP300 (EP300 lysine acetyltransferase; plus strand). Cytogenetic location: 22q13.2.
Variant type: single nucleotide variant.
Coding change: c.5340C>A on transcript NM_001429.4 (MANE Select); coding-DNA position 5340, C replaced by A.
Protein change: p.Pro1780=; no amino-acid change (proline 1780 retained).
Molecular consequence: synonymous variant.
Genome position (GRCh38, 1-based): chr22:41,177,051, C>A. VCF-style: chr22-41177051-C-A. GRCh37 (hg19) VCF-style: chr22-41573055-C-A.
Other names: c.5262C>A, p.Pro1754= (NM_001362843.2).
Identifiers: ClinVar variation 4997259 (VCV004997259.1).

ClinVar aggregate classification (germline): Likely benign (1 of 4 stars; one submission).

Conditions:
EP300-related disorder. Also called: EP300-related condition; EP300-related disorders.

Submission:

PreventionGenetics, part of Exact Sciences
Classification: Likely benign for EP300-related condition. Last evaluated: 2026-03-01. Review status: criteria provided, single submitter. Criteria: ACMG Guidelines, 2015. Collection method: clinical testing. Allele origin: germline.
Comment: This variant is classified as likely benign based on ACMG/AMP sequence variant interpretation guidelines (Richards et al. 2015 PMID: 25741868, with internal and published modifications).